The following is an entry in ClinVar:

NM_201384.3(PLEC):c.3766G>C (p.Glu1256Gln)

Gene: PLEC (plectin; minus strand). Cytogenetic location: 8q24.3.
Variant type: single nucleotide variant.
Coding change: c.3766G>C on transcript NM_201384.3 (MANE Select); coding-DNA position 3766, G replaced by C.
Protein change: p.Glu1256Gln; replaces glutamic acid 1256 with glutamine.
Molecular consequence: missense variant.
Genome position (GRCh38, 1-based): chr8:143,927,326, C>G on the plus strand (G>C on the coding strand, the complement: PLEC is on the minus strand). VCF-style: chr8-143927326-C-G. GRCh37 (hg19) VCF-style: chr8-145001494-C-G.
Other names: c.3847G>C, p.Glu1283Gln (NM_000445.5); c.3724G>C, p.Glu1242Gln (NM_201378.4); c.3700G>C, p.Glu1234Gln (NM_201379.3); c.4177G>C, p.Glu1393Gln (NM_201380.4); c.3670G>C, p.Glu1224Gln (NM_201381.3); c.3766G>C, p.Glu1256Gln (NM_201382.4); c.3778G>C, p.Glu1260Gln (NM_201383.3); short protein forms E1224Q, E1234Q, E1242Q, E1256Q, E1260Q, E1283Q, E1393Q.
Identifiers: ClinVar variation 1337608 (VCV001337608.4), dbSNP rs1384763800, ClinGen allele CA372564719.
Genomic context (GRCh38, chr8:143,927,326, plus strand): 5'-TGTACTGTTTCGCAAACCTCTGGCACTCCTCGACCTTCTCGCCGTGGCGCTCGATCTCCT[C>G]CAGCAGGGCCTGGGTGATGGTGTGGTCAGAGCCGTGGCCGCAGGGCACGCCCAGCCGCCC-3'
Protein context (NP_958786.1, residues 1246-1266): EQLRQEQALL[Glu1256Gln]EIERHGEKVE

ClinVar aggregate classification (germline): Uncertain significance (1 of 4 stars; one submission).

Allele frequency attached by ClinVar (database versions not stated): gnomAD exomes below 0.00001; TOPMed below 0.00001; gnomAD 0.00001.
gnomAD v4.1: 3 of 1,612,970 alleles (0.00019%); highest among the groups gnomAD compares: Non-Finnish European, 0.00025%; no homozygotes.

Submission:

Genetic Services Laboratory, University of Chicago
Classification: Uncertain significance. Last evaluated: 2020-05-01. Review status: criteria provided, single submitter. Criteria: ACMG Guidelines, 2015. Collection method: clinical testing. Allele origin: germline. Affected: no.
Comment: DNA sequence analysis of the PLEC gene demonstrated a sequence change, c.3847G>C, in exon 29 that results in an amino acid change, p.Glu1283Gln. This sequence change does not appear to have been previously described in patients with PLEC-related disorders. This sequence change is absent from the large population databases (ExAC and gnomAD). The p.Glu1283Gln change affects a highly conserved amino acid residue located in a domain of the PLEC protein that is known to be functional. The p.Glu1283Gln substitution appears to be deleterious using several in-silico pathogenicity prediction tools (SIFT, PolyPhen2, Align GVGD, Mutation Taster). Due to these contrasting evidences and the lack of functional studies, the clinical significance of the p.Glu1283Gln change remains unknown at this time.